The following is an entry in ClinVar:

NM_006734.4(HIVEP2):c.1619T>G (p.Leu540Arg)

Gene: HIVEP2 (HIVEP zinc finger 2; minus strand). Cytogenetic location: 6q24.2.
Variant type: single nucleotide variant.
Coding change: c.1619T>G on transcript NM_006734.4 (MANE Select); coding-DNA position 1619, T replaced by G.
Protein change: p.Leu540Arg; replaces leucine 540 with arginine.
Molecular consequence: missense variant.
Genome position (GRCh38, 1-based): chr6:142,773,120, A>C on the plus strand (T>G on the coding strand, the complement: HIVEP2 is on the minus strand). VCF-style: chr6-142773120-A-C. GRCh37 (hg19) VCF-style: chr6-143094257-A-C.
Other names: short protein forms L540R.
Identifiers: ClinVar variation 2275554 (VCV002275554.3), dbSNP rs2482846966, ClinGen allele CA365912963.

ClinVar aggregate classification (germline): Uncertain significance. Review status: criteria provided, multiple submitters, no conflicts (2 of 4 stars). 2 submissions from 2 submitters: Uncertain significance (2). Last evaluated 2024-03-22.

Conditions:
Inborn genetic diseases. Identifiers: MedGen C0950123, MeSH D030342.

Submissions (2):

GeneDx
Classification: Uncertain significance. Last evaluated: 2024-03-22. Review status: criteria provided, single submitter. Criteria: GeneDx Variant Classification Process June 2021. Collection method: clinical testing. Allele origin: germline. Affected: yes.
Comment: Not observed at significant frequency in large population cohorts (gnomAD); In silico analysis supports that this missense variant has a deleterious effect on protein structure/function; Has not been previously published as pathogenic or benign to our knowledge

Ambry Genetics
Classification: Uncertain significance for Inborn genetic diseases. Last evaluated: 2022-02-03. Review status: criteria provided, single submitter. Criteria: Ambry Variant Classification Scheme 2023. Collection method: clinical testing. Allele origin: germline.